The following is an entry in ClinVar:

ClinVar aggregate classification (germline): Likely benign. Review status: criteria provided, multiple submitters, no conflicts (2 of 4 stars). 2 submissions from 2 submitters: Likely benign (2). Last evaluated 2025-05-24.

Conditions:
Cardiovascular phenotype. Identifiers: MedGen CN230736.

gnomAD v4.1: 11 of 1,591,838 alleles (0.00069%); highest among the groups gnomAD compares: African/African-American, 0.0027%; no homozygotes.

Submissions (2):

Ambry Genetics
Classification: Likely benign for Cardiovascular phenotype. Last evaluated: 2025-05-24. Review status: criteria provided, single submitter. Criteria: Ambry Variant Classification Scheme 2023. Collection method: clinical testing. Allele origin: germline.

CeGaT Center for Human Genetics Tuebingen
Classification: Likely benign. Last evaluated: 2025-05-01. Review status: criteria provided, single submitter. Criteria: CeGaT Center For Human Genetics Tuebingen Variant Classification Criteria Version 2. Collection method: clinical testing. Allele origin: germline. Affected: yes. Observed: 1 variant allele.
Comment: TNXB: BP4, BP7

NM_001365276.2(TNXB):c.1272G>A (p.Gly424=)

Gene: TNXB (tenascin XB; minus strand). Cytogenetic location: 6p21.33.
Variant type: single nucleotide variant.
Coding change: c.1272G>A on transcript NM_001365276.2 (MANE Select); coding-DNA position 1272, G replaced by A.
Protein change: p.Gly424=; no amino-acid change (glycine 424 retained).
Molecular consequence: synonymous variant.
Genome position (GRCh38, 1-based): chr6:32,096,581, C>T on the plus strand (G>A on the coding strand, the complement: TNXB is on the minus strand). VCF-style: chr6-32096581-C-T. GRCh37 (hg19) VCF-style: chr6-32064358-C-T.
Other names: c.1272G>A, p.Gly424= (NM_001428335.1, NM_019105.8); c.1272G>A (NM_019105.6).
Identifiers: ClinVar variation 3905417 (VCV003905417.10).